The following is an entry in ClinVar:

NM_020717.5(SHROOM4):c.775C>T (p.Gln259Ter)

Gene: SHROOM4 (shroom family member 4; minus strand). Cytogenetic location: Xp11.22.
Variant type: single nucleotide variant.
Coding change: c.775C>T on transcript NM_020717.5 (MANE Select); coding-DNA position 775, C replaced by T.
Protein change: p.Gln259Ter; replaces glutamine 259 with a stop codon.
Molecular consequence: nonsense. On other transcripts: non-coding transcript variant (4).
Genome position (GRCh38, 1-based): chrX:50,635,298, G>A on the plus strand (C>T on the coding strand, the complement: SHROOM4 is on the minus strand). VCF-style: chrX-50635298-G-A. GRCh37 (hg19) VCF-style: chrX-50378298-G-A.
Other names: short protein forms Q259*.
Identifiers: ClinVar variation 3338539 (VCV003338539.1).

ClinVar aggregate classification (germline): Uncertain significance (1 of 4 stars; one submission).

Submission:

Greenwood Genetic Center Diagnostic Laboratories, Greenwood Genetic Center
Classification: Uncertain significance. Last evaluated: 2024-05-31. Review status: criteria provided, single submitter. Criteria: ACMG Guidelines, 2015. Collection method: clinical testing. Allele origin: germline. Affected: yes.
Comment: PM2